The following is an entry in ClinVar:

NM_001127898.4(CLCN5):c.2119C>T (p.Arg707Ter)

Genes: CLCN5 (Cl-/H+ antiporter 5; plus strand), LOC126863258 (BRD4-independent group 4 enhancer GRCh37_chrX:49854497-49855696; plus strand). Cytogenetic location: Xp11.23.
Variant type: single nucleotide variant.
Coding change: c.2119C>T on transcript NM_001127898.4 (MANE Select); coding-DNA position 2119, C replaced by T.
Protein change: p.Arg707Ter; replaces arginine 707 with a stop codon.
Molecular consequence: nonsense.
Genome position (GRCh38, 1-based): chrX:50,090,490, C>T. VCF-style: chrX-50090490-C-T. GRCh37 (hg19) VCF-style: chrX-49855147-C-T.
Other names: c.1909C>T, p.Arg637Ter (NM_000084.5); c.2119C>T, p.Arg707Ter (NM_001127899.4); c.1969C>T, p.Arg657Ter (NM_001282163.2); short protein forms R637*, R707*, R657*.
Identifiers: ClinVar variation 207999 (VCV000207999.20), dbSNP rs797044813, ClinGen allele CA347324.

ClinVar aggregate classification (germline): Pathogenic. Review status: criteria provided, multiple submitters, no conflicts (2 of 4 stars). 9 submissions from 9 submitters: Pathogenic (7). 2 of the submissions do not count toward it. Last evaluated 2026-01-12.

Conditions:
CLCN5-related disorder. Also called: CLCN5-related condition.
Dent disease. Also called: Dent's disease. Identifiers: Orphanet 1652, MedGen C0878681, MONDO:0015612.
Dent disease type 1 (DENT1). Also called: NEPHROLITHIASIS 2; NEPHROLITHIASIS, HYPERCALCIURIC, X-LINKED. Identifiers: Orphanet 1652, Orphanet 93622, MedGen C1848336, MONDO:0010225, OMIM 300009.
Hypophosphatemic rickets, X-linked recessive (XLHRR). Identifiers: Orphanet 1652, Orphanet 93622, MedGen C1845168, MONDO:0010358, OMIM 300554.
Proteinuria, low molecular weight, with hypercalciuria and nephrocalcinosis. Identifiers: Orphanet 1652, Orphanet 93622, MedGen C1839874, MONDO:0010644, OMIM 308990.
X-linked recessive nephrolithiasis with renal failure (XRN). Also called: NEPHROLITHIASIS 1; NEPHROLITHIASIS, X-LINKED RECESSIVE, TYPE 1; UROLITHIASIS, X-LINKED RECESSIVE, TYPE 1. Identifiers: Orphanet 1652, Orphanet 93622, MedGen C0403720, MONDO:0010687, OMIM 310468.

Allele frequency attached by ClinVar (database versions not stated): gnomAD exomes below 0.00001.
gnomAD v4.1: 1 of 1,207,009 alleles (0.000083%); highest among the groups gnomAD compares: Non-Finnish European, 0.00011%; no homozygotes.

Submissions (9):

3billion
Classification: Pathogenic for CLCN5-related disorder. Last evaluated: 2026-01-12. Review status: criteria provided, single submitter. Criteria: ACMG Guidelines, 2015. Collection method: clinical testing. Allele origin: germline. Affected: yes.
Comment: The variant is observed at an extremely low frequency in the gnomAD v4.1.0 dataset (total allele frequency: <0.001%). Predicted Consequence/Location: Stop-gained (nonsense): predicted to result in a loss or disruption of normal protein function through nonsense-mediated decay (NMD) or protein truncation. Multiple pathogenic variants are reported downstream of the variant. The variant has been reported at least twice as pathogenic with clinical assertions and evidence for the classification (ClinVar ID: VCV000207999 /PMID: 11136179). Therefore, this variant is classified as Pathogenic according to the recommendation of ACMG/AMP guideline.

Labcorp Genetics (formerly Invitae), Labcorp
Classification: Pathogenic. Last evaluated: 2025-05-25. Review status: criteria provided, single submitter. Criteria: Invitae Variant Classification Sherloc (09022015). Collection method: clinical testing. Allele origin: germline.
Comment: This sequence change creates a premature translational stop signal (p.Arg637*) in the CLCN5 gene. It is expected to result in an absent or disrupted protein product. Loss-of-function variants in CLCN5 are known to be pathogenic (PMID: 22876375, 25907713). This variant is not present in population databases (gnomAD no frequency). This premature translational stop signal has been observed in individual(s) with Dent disease (PMID: 27889724, 31672324, 32683654). ClinVar contains an entry for this variant (Variation ID: 207999). For these reasons, this variant has been classified as Pathogenic.

Fulgent Genetics
Classification: Pathogenic for Dent disease type 1; Hypophosphatemic rickets, X-linked recessive; Proteinuria, low molecular weight, with hypercalciuria and nephrocalcinosis; X-linked recessive nephrolithiasis with renal failure. Last evaluated: 2024-06-14. Review status: criteria provided, single submitter. Criteria: ACMG Guidelines, 2015. Collection method: clinical testing. Allele origin: germline.

Women's Health and Genetics/Laboratory Corporation of America, LabCorp
Classification: Pathogenic for Dent disease. Last evaluated: 2023-10-26. Review status: criteria provided, single submitter. Criteria: LabCorp Variant Classification Summary - May 2015. Collection method: clinical testing. Allele origin: germline.
Comment: Variant summary: CLCN5 c.1909C>T (p.Arg637X) results in a premature termination codon, predicted to cause a truncation of the encoded protein or absence of the protein due to nonsense mediated decay, which are commonly known mechanisms for disease. Variants downstream of this position have been classified as pathogenic in ClinVar. The variant was absent in 175419 control chromosomes (gnomAD). c.1909C>T has been reported in the literature in individuals affected with Dent Disease (example: Sekine_2014). The following publication has been ascertained in the context of this evaluation (PMID: 24081861). Six submitters have cited clinical-significance assessments for this variant to ClinVar after 2014. All submitters classified the variant as pathogenic. Based on the evidence outlined above, the variant was classified as pathogenic.

Dasa
Classification: Pathogenic for Proteinuria, low molecular weight, with hypercalciuria and nephrocalcinosis. Last evaluated: 2022-01-05. Review status: criteria provided, single submitter. Criteria: ACMG Guidelines, 2015. Collection method: clinical testing. Allele origin: germline. Affected: yes. Observed: 1 variant allele.
Comment: The c.1909C>T;p.(Arg637*) variant creates a premature translational stop signal in the CLCN5 gene. It is expected to result in an absent or disrupted protein product -PVS1. This sequence change has been observed in affected individual(s) and ClinVar contains an entry for this variant(Clinvar ID: 207999; PMID: 11136179; 15719255; 15895257; 16822791; 18038239; 19076289; 19546586; 24081861) - PS4.The variant was observed to have arisen de novo (paternity confirmed) in a patient with the disease and no family history(PMID: 11136179; 15719255) - PS2. This variant is not present in population databases (rs797044813, gnomAD; ABraOM no frequency) - PM2. The variant co-segregated with disease in multiple affected family members (PMID: 19076289; 19546586) - PP1_supporting. In summary, the currently available evidence indicates that the variant is pathogenic.

GeneDx
Classification: Pathogenic. Last evaluated: 2021-06-25. Review status: criteria provided, single submitter. Criteria: GeneDx Variant Classification Process June 2021. Collection method: clinical testing. Allele origin: germline. Affected: yes.
Comment: Nonsense variant predicted to result in protein truncation or nonsense mediated decay in a gene for which loss-of-function is a known mechanism of disease; This variant is associated with the following publications: (PMID: 25525159, 20654030, 19076289, 29058463, 17982249, 27889724, 11136179, 31672324, 32683654)

Revvity Omics, Revvity
Classification: Pathogenic. Last evaluated: 2021-04-02. Review status: criteria provided, single submitter. Criteria: ACMG Guidelines, 2015. Collection method: clinical testing. Allele origin: germline.

Gharavi Laboratory, Columbia University
Classification: Pathogenic. Last evaluated: 2018-09-16. Review status: no assertion criteria provided. Criteria: ACMG Guidelines, 2015. Collection method: research. Allele origin: germline. Affected: yes. Not counted in ClinVar's aggregate classification.

GeneReviews
No classification provided. Condition: Dent disease type 1. Review status: no classification provided. Collection method: literature only. Allele origin: germline. Affected: yes. Not counted in ClinVar's aggregate classification.

Literature cited by the submitters: PubMed 11136179 (cited by 3 submitters); PubMed 22876375 (cited by Labcorp Genetics (formerly Invitae), Labcorp); PubMed 25907713 (cited by Labcorp Genetics (formerly Invitae), Labcorp); PubMed 27889724 (cited by Labcorp Genetics (formerly Invitae), Labcorp); PubMed 31672324 (cited by Labcorp Genetics (formerly Invitae), Labcorp); PubMed 32683654 (cited by Labcorp Genetics (formerly Invitae), Labcorp); PubMed 24081861 (cited by 3 submitters); PubMed 15719255 (cited by Dasa and GeneReviews); PubMed 15895257 (cited by Dasa and GeneReviews); PubMed 16822791 (cited by Dasa and GeneReviews); PubMed 18038239 (cited by Dasa and GeneReviews); PubMed 19076289 (cited by Dasa and GeneReviews); PubMed 19546586 (cited by Dasa and GeneReviews); NCBI Bookshelf NBK99494 (cited by GeneReviews).